The following is an entry in ClinVar:

ClinVar aggregate classification (germline): Uncertain significance (1 of 4 stars; one submission).

Conditions:
Bethlem myopathy 1A. Also called: Bethlem myopathy 1; Bethlem Muscular Dystrophy; MYOPATHY, BENIGN CONGENITAL, WITH CONTRACTURES. Identifiers: Orphanet 610, MedGen CN029274, MONDO:0024530, OMIM 158810.

gnomAD v4.1: 5 of 1,613,606 alleles (0.00031%); highest among the groups gnomAD compares: Non-Finnish European, 0.00042%; no homozygotes.

Submission:

Labcorp Genetics (formerly Invitae), Labcorp
Classification: Uncertain significance for Bethlem myopathy 1A. Last evaluated: 2025-11-18. Review status: criteria provided, single submitter. Criteria: Invitae Variant Classification Sherloc (09022015). Collection method: clinical testing. Allele origin: germline.
Comment: This sequence change replaces aspartic acid, which is acidic and polar, with tyrosine, which is neutral and polar, at codon 2156 of the COL6A3 protein (p.Asp2156Tyr). This variant is not present in population databases (gnomAD no frequency). This variant has not been reported in the literature in individuals affected with COL6A3-related conditions. Invitae Evidence Modeling of protein sequence and biophysical properties (such as structural, functional, and spatial information, amino acid conservation, physicochemical variation, residue mobility, and thermodynamic stability) indicates that this missense variant is expected to disrupt COL6A3 protein function with a positive predictive value of 80%. In summary, the available evidence is currently insufficient to determine the role of this variant in disease. Therefore, it has been classified as a Variant of Uncertain Significance.

NM_004369.4(COL6A3):c.6466G>T (p.Asp2156Tyr)

Gene: COL6A3 (collagen type VI alpha 3 chain; minus strand). Cytogenetic location: 2q37.3.
Variant type: single nucleotide variant.
Coding change: c.6466G>T on transcript NM_004369.4 (MANE Select); coding-DNA position 6466, G replaced by T.
Protein change: p.Asp2156Tyr; replaces aspartic acid 2156 with tyrosine.
Molecular consequence: missense variant.
Genome position (GRCh38, 1-based): chr2:237,358,526, C>A on the plus strand (G>T on the coding strand, the complement: COL6A3 is on the minus strand). VCF-style: chr2-237358526-C-A. GRCh37 (hg19) VCF-style: chr2-238267169-C-A.
Other names: c.4645G>T, p.Asp1549Tyr (NM_057166.5); c.5848G>T, p.Asp1950Tyr (NM_057167.4); short protein forms D1950Y, D2156Y, D1549Y.
Identifiers: ClinVar variation 4773482 (VCV004773482.1).
Genomic context (GRCh38, chr2:237,358,526, plus strand): 5'-CAACAACCCTCTTCCCCAGGCTCAGGTCTGAAATCGTCAATAAAGAAATCTTTACCGGGT[C>A]CCCTCGAATCCCAACATCTCCTCTTTCTCCTTTCTCTCCTCGAGGTCCTTTATCACCCTA-3'
Protein context (NP_004360.2, residues 2146-2166): GERGDVGIRG[Asp2156Tyr]PGNPGQDSQE